The following is an entry in ClinVar:

NM_002471.4(MYH6):c.5647C>T (p.Gln1883Ter)

Gene: MYH6 (myosin heavy chain 6; minus strand). Cytogenetic location: 14q11.2.
Variant type: single nucleotide variant.
Coding change: c.5647C>T on transcript NM_002471.4 (MANE Select); coding-DNA position 5647, C replaced by T.
Protein change: p.Gln1883Ter; replaces glutamine 1883 with a stop codon.
Molecular consequence: nonsense.
Genome position (GRCh38, 1-based): chr14:23,383,239, G>A on the plus strand (C>T on the coding strand, the complement: MYH6 is on the minus strand). VCF-style: chr14-23383239-G-A. GRCh37 (hg19) VCF-style: chr14-23852448-G-A.
Other names: short protein forms Q1883*.
Identifiers: ClinVar variation 3686805 (VCV003686805.2).

ClinVar aggregate classification (germline): Uncertain significance (1 of 4 stars; one submission).

Conditions:
Hypertrophic cardiomyopathy 14. Identifiers: MedGen C2750467, MONDO:0013197, OMIM 613251.

Submission:

Labcorp Genetics (formerly Invitae), Labcorp
Classification: Uncertain significance for Hypertrophic cardiomyopathy 14. Last evaluated: 2024-09-02. Review status: criteria provided, single submitter. Criteria: Invitae Variant Classification Sherloc (09022015). Collection method: clinical testing. Allele origin: germline.
Comment: This sequence change creates a premature translational stop signal (p.Gln1883*) in the MYH6 gene. It is expected to result in an absent or disrupted protein product. However, the current clinical and genetic evidence is not sufficient to establish whether loss-of-function variants in MYH6 cause disease. This variant is not present in population databases (gnomAD no frequency). This variant has not been reported in the literature in individuals affected with MYH6-related conditions. In summary, the available evidence is currently insufficient to determine the role of this variant in disease. Therefore, it has been classified as a Variant of Uncertain Significance.